The following is an entry in ClinVar:

NM_006767.4(LZTR1):c.2324A>T (p.Gln775Leu)

Gene: LZTR1 (leucine zipper like post translational regulator 1; plus strand). Cytogenetic location: 22q11.21.
Variant type: single nucleotide variant.
Coding change: c.2324A>T on transcript NM_006767.4 (MANE Select); coding-DNA position 2324, A replaced by T.
Protein change: p.Gln775Leu; replaces glutamine 775 with leucine.
Molecular consequence: missense variant.
Genome position (GRCh38, 1-based): chr22:20,996,800, A>T. VCF-style: chr22-20996800-A-T. GRCh37 (hg19) VCF-style: chr22-21351089-A-T.
Other names: short protein forms Q775L.
Identifiers: ClinVar variation 3655076 (VCV003655076.2).

ClinVar aggregate classification (germline): Uncertain significance (1 of 4 stars; one submission).

gnomAD v4.1: 1 of 1,613,602 alleles (0.000062%); highest among the groups gnomAD compares: Non-Finnish European, 0.000085%; no homozygotes.

Submission:

Labcorp Genetics (formerly Invitae), Labcorp
Classification: Uncertain significance. Last evaluated: 2025-09-13. Review status: criteria provided, single submitter. Criteria: Invitae Variant Classification Sherloc (09022015). Collection method: clinical testing. Allele origin: germline.
Comment: This sequence change replaces glutamine, which is neutral and polar, with leucine, which is neutral and non-polar, at codon 775 of the LZTR1 protein (p.Gln775Leu). This variant is not present in population databases (gnomAD no frequency). This variant has not been reported in the literature in individuals affected with LZTR1-related conditions. ClinVar contains an entry for this variant (Variation ID: 3655076). An algorithm developed to predict the effect of missense changes on protein structure and function (PolyPhen-2) suggests that this variant is likely to be disruptive. Algorithms developed to predict the effect of sequence changes on RNA splicing suggest that this variant may disrupt the consensus splice site. In summary, the available evidence is currently insufficient to determine the role of this variant in disease. Therefore, it has been classified as a Variant of Uncertain Significance.